The following is an entry in ClinVar:

ClinVar aggregate classification (germline): Uncertain significance. Review status: criteria provided, multiple submitters, no conflicts (2 of 4 stars). 2 submissions from 2 submitters: Uncertain significance (2). Last evaluated 2025-01-23.

Conditions:
Inborn genetic diseases. Identifiers: MedGen C0950123, MeSH D030342.

Allele frequency attached by ClinVar (database versions not stated): TOPMed 0.00001; gnomAD exomes 0.00002; gnomAD 0.00001.
gnomAD v4.1: 28 of 1,613,726 alleles (0.0017%); highest among the groups gnomAD compares: Admixed American, 0.005%; no homozygotes.

Submissions (2):

Ambry Genetics
Classification: Uncertain significance for Inborn genetic diseases. Last evaluated: 2025-01-23. Review status: criteria provided, single submitter. Criteria: Ambry Variant Classification Scheme 2023. Collection method: clinical testing. Allele origin: germline.

Labcorp Genetics (formerly Invitae), Labcorp
Classification: Uncertain significance. Last evaluated: 2022-08-13. Review status: criteria provided, single submitter. Criteria: Invitae Variant Classification Sherloc (09022015). Collection method: clinical testing. Allele origin: germline.
Comment: This sequence change replaces isoleucine, which is neutral and non-polar, with valine, which is neutral and non-polar, at codon 246 of the DTNBP1 protein (p.Ile246Val). This variant is present in population databases (no rsID available, gnomAD 0.007%). This variant has not been reported in the literature in individuals affected with DTNBP1-related conditions. ClinVar contains an entry for this variant (Variation ID: 1483456). Algorithms developed to predict the effect of missense changes on protein structure and function output the following: SIFT: "Tolerated"; PolyPhen-2: "Benign"; Align-GVGD: "Class C0". The valine amino acid residue is found in multiple mammalian species, which suggests that this missense change does not adversely affect protein function. Algorithms developed to predict the effect of sequence changes on RNA splicing suggest that this variant may create or strengthen a splice site. In summary, the available evidence is currently insufficient to determine the role of this variant in disease. Therefore, it has been classified as a Variant of Uncertain Significance.

NM_032122.5(DTNBP1):c.736A>G (p.Ile246Val)

Gene: DTNBP1 (dystrobrevin binding protein 1; minus strand). Cytogenetic location: 6p22.3.
Variant type: single nucleotide variant.
Coding change: c.736A>G on transcript NM_032122.5 (MANE Select); coding-DNA position 736, A replaced by G.
Protein change: p.Ile246Val; replaces isoleucine 246 with valine.
Molecular consequence: missense variant. On other transcripts: non-coding transcript variant (1).
Genome position (GRCh38, 1-based): chr6:15,524,601, T>C on the plus strand (A>G on the coding strand, the complement: DTNBP1 is on the minus strand). VCF-style: chr6-15524601-T-C. GRCh37 (hg19) VCF-style: chr6-15524832-T-C.
Other names: c.493A>G, p.Ile165Val (NM_001271667.2); c.685A>G, p.Ile229Val (NM_001271668.2); c.631A>G, p.Ile211Val (NM_001271669.2); c.736A>G, p.Ile246Val (NM_183040.2); c.736A>G (NM_032122.4); short protein forms I246V, I211V, I165V, I229V.
Identifiers: ClinVar variation 1483456 (VCV001483456.6), dbSNP rs1256057435, ClinGen allele CA362806407.